The following is an entry in ClinVar:

ClinVar aggregate classification (germline): Uncertain significance. Review status: criteria provided, multiple submitters, no conflicts (2 of 4 stars). 2 submissions from 2 submitters: Uncertain significance (2). Last evaluated 2026-05-03.

Conditions:
Fanconi anemia (FA). Also called: Fanconi's anemia. Identifiers: Orphanet 84, MedGen C0015625, MeSH D005199, MONDO:0019391.
Inborn genetic diseases. Identifiers: MedGen C0950123, MeSH D030342.

gnomAD v4.1: 1 of 1,499,048 alleles (0.000067%); highest among the groups gnomAD compares: South Asian, 0.0012%; no homozygotes.

Submissions (2):

Ambry Genetics
Classification: Uncertain significance for Inborn genetic diseases. Last evaluated: 2026-05-03. Review status: criteria provided, single submitter. Criteria: Ambry Variant Classification Scheme 2023. Collection method: clinical testing. Allele origin: germline.
Comment: The p.L25V variant (also known as c.73C>G), located in coding exon 1 of the FANCA gene, results from a C to G substitution at nucleotide position 73. The leucine at codon 25 is replaced by valine, an amino acid with highly similar properties. This amino acid position is conserved. In addition, the in silico prediction for this alteration is inconclusive. Based on the available evidence, the clinical significance of this variant remains unclear.

Labcorp Genetics (formerly Invitae), Labcorp
Classification: Uncertain significance for Fanconi anemia. Last evaluated: 2026-01-05. Review status: criteria provided, single submitter. Criteria: Invitae Variant Classification Sherloc (09022015). Collection method: clinical testing. Allele origin: germline.
Comment: This sequence change replaces leucine, which is neutral and non-polar, with valine, which is neutral and non-polar, at codon 25 of the FANCA protein (p.Leu25Val). This variant is not present in population databases (gnomAD no frequency). This variant has not been reported in the literature in individuals affected with FANCA-related conditions. Invitae Evidence Modeling of protein sequence and biophysical properties (such as structural, functional, and spatial information, amino acid conservation, physicochemical variation, residue mobility, and thermodynamic stability) has been performed for this missense variant. However, the output from this modeling did not meet the statistical confidence thresholds required to predict the impact of this variant on FANCA protein function. In summary, the available evidence is currently insufficient to determine the role of this variant in disease. Therefore, it has been classified as a Variant of Uncertain Significance.

NM_000135.4(FANCA):c.73C>G (p.Leu25Val)

Genes: FANCA (FA complementation group A; minus strand), LOC112486223 (Sharpr-MPRA regulatory region 3988; plus strand). Cytogenetic location: 16q24.3.
Variant type: single nucleotide variant.
Coding change: c.73C>G on transcript NM_000135.4 (MANE Select); coding-DNA position 73, C replaced by G.
Protein change: p.Leu25Val; replaces leucine 25 with valine.
Molecular consequence: missense variant.
Genome position (GRCh38, 1-based): chr16:89,816,543, G>C on the plus strand (C>G on the coding strand, the complement: FANCA is on the minus strand). VCF-style: chr16-89816543-G-C. GRCh37 (hg19) VCF-style: chr16-89882951-G-C.
Other names: c.73C>G, p.Leu25Val (NM_001018112.3, NM_001286167.3, NM_001351830.2); short protein forms L25V.
Identifiers: ClinVar variation 4781769 (VCV004781769.2).